The following is an entry in ClinVar:

ClinVar aggregate classification (germline): Uncertain significance (1 of 4 stars; one submission).

Conditions:
Cardiovascular phenotype. Identifiers: MedGen CN230736.

Allele frequency attached by ClinVar (database versions not stated): gnomAD exomes below 0.00001.
gnomAD v4.1: 1 of 1,612,474 alleles (0.000062%); highest among the groups gnomAD compares: South Asian, 0.0011%; no homozygotes.

Submission:

Ambry Genetics
Classification: Uncertain significance for Cardiovascular phenotype. Last evaluated: 2020-01-31. Review status: criteria provided, single submitter. Criteria: Ambry Variant Classification Scheme 2023. Collection method: clinical testing. Allele origin: germline.
Comment: The p.E128G variant (also known as c.383A>G), located in coding exon 9 of the TNNT2 gene, results from an A to G substitution at nucleotide position 383. The glutamic acid at codon 128 is replaced by glycine, an amino acid with similar properties. This amino acid position is highly conserved in available vertebrate species. In addition, this alteration is predicted to be deleterious by in silico analysis. Since supporting evidence is limited at this time, the clinical significance of this alteration remains unclear.

NM_001276345.2(TNNT2):c.413A>G (p.Glu138Gly)

Gene: TNNT2 (troponin T2, cardiac type; minus strand). Cytogenetic location: 1q32.1.
Variant type: single nucleotide variant.
Coding change: c.413A>G on transcript NM_001276345.2 (MANE Select); coding-DNA position 413, A replaced by G.
Protein change: p.Glu138Gly; replaces glutamic acid 138 with glycine.
Molecular consequence: missense variant.
Genome position (GRCh38, 1-based): chr1:201,364,374, T>C on the plus strand (A>G on the coding strand, the complement: TNNT2 is on the minus strand). VCF-style: chr1-201364374-T-C. GRCh37 (hg19) VCF-style: chr1-201333502-T-C.
Other names: c.413A>G, p.Glu138Gly (NM_000364.4, NM_001406723.1); c.383A>G, p.Glu128Gly (NM_001001430.3, NM_001001431.3, NM_001276347.2 and 3 more transcripts); c.368A>G, p.Glu123Gly (NM_001001432.3, NM_001406728.1); c.293A>G, p.Glu98Gly (NM_001276346.2); c.380A>G, p.Glu127Gly (NM_001406725.1); short protein forms E138G, E123G, E127G, E128G, E98G.
Identifiers: ClinVar variation 1735408 (VCV001735408.2), dbSNP rs2527000970, ClinGen allele CA344205994.